The following is an entry in ClinVar:

NM_001606.5(ABCA2):c.617G>A (p.Gly206Asp)

Gene: ABCA2 (ATP binding cassette subfamily A member 2; minus strand). Cytogenetic location: 9q34.3.
Variant type: single nucleotide variant.
Coding change: c.617G>A on transcript NM_001606.5 (MANE Select); coding-DNA position 617, G replaced by A.
Protein change: p.Gly206Asp; replaces glycine 206 with aspartic acid.
Molecular consequence: missense variant.
Genome position (GRCh38, 1-based): chr9:137,021,952, C>T on the plus strand (G>A on the coding strand, the complement: ABCA2 is on the minus strand). VCF-style: chr9-137021952-C-T. GRCh37 (hg19) VCF-style: chr9-139916404-C-T.
Other names: c.707G>A (NM_212533.2); c.614G>A, p.Gly205Asp (NM_001411042.1); c.707G>A, p.Gly236Asp (NM_212533.3); short protein forms G206D, G205D, G236D.
Identifiers: ClinVar variation 2167962 (VCV002167962.7), dbSNP rs750623310, ClinGen allele CA5355716.

ClinVar aggregate classification (germline): Uncertain significance. Review status: criteria provided, multiple submitters, no conflicts (2 of 4 stars). 2 submissions from 2 submitters: Uncertain significance (2). Last evaluated 2026-10-22.

Allele frequency attached by ClinVar (database versions not stated): TOPMed 0.00006; gnomAD exomes 0.00001; ExAC 0.00011; gnomAD 0.00001.

Submissions (2):

GeneDx
Classification: Uncertain significance. Last evaluated: 2026-10-22. Review status: criteria provided, single submitter. Criteria: GeneDx Variant Classification Process June 2021. Collection method: clinical testing. Allele origin: germline.
Comment: In silico analysis suggests that this missense variant does not alter protein structure/function; Has not been previously published as pathogenic or benign to our knowledge

Labcorp Genetics (formerly Invitae), Labcorp
Classification: Uncertain significance. Last evaluated: 2022-07-26. Review status: criteria provided, single submitter. Criteria: Invitae Variant Classification Sherloc (09022015). Collection method: clinical testing. Allele origin: germline.
Comment: In summary, the available evidence is currently insufficient to determine the role of this variant in disease. Therefore, it has been classified as a Variant of Uncertain Significance. Algorithms developed to predict the effect of missense changes on protein structure and function output the following: SIFT: "Deleterious"; PolyPhen-2: "Not Available"; Align-GVGD: "Class C0". The aspartic acid amino acid residue is found in multiple mammalian species, which suggests that this missense change does not adversely affect protein function. This variant has not been reported in the literature in individuals affected with ABCA2-related conditions. This variant is present in population databases (rs750623310, gnomAD 0.05%). This sequence change replaces glycine, which is neutral and non-polar, with aspartic acid, which is acidic and polar, at codon 236 of the ABCA2 protein (p.Gly236Asp).